The following is an entry in ClinVar:

ClinVar aggregate classification (germline): Uncertain significance (1 of 4 stars; one submission).

Conditions:
Brachyrachia (short spine dysplasia) (BCYM3). Also called: BRACHYRACHIA; Brachyolmia Type 3; Autosomal dominant brachyolmia; Brachyolmia, TRPV4-Related. Identifiers: Orphanet 93304, MedGen C0432227, MONDO:0007232, OMIM 113500.
Metatropic dysplasia (MTD). Also called: METATROPIC DWARFISM; Metatropic dysplasia, nonlethal dominant; Metatropic Dysplasia, TRPV4-Related. Identifiers: Orphanet 2635, MedGen C0265281, MONDO:0007986, OMIM 156530.
Parastremmatic dwarfism. Identifiers: Orphanet 2646, MedGen C1868616, MONDO:0008196, OMIM 168400.
Sodium serum level quantitative trait locus 1 (SSQTL1). Identifiers: MedGen C3150755, OMIM 613508.
Charcot-Marie-Tooth disease axonal type 2C (HMSN2C). Also called: CHARCOT-MARIE-TOOTH DISEASE, AXONAL, AUTOSOMAL DOMINANT, TYPE 2C; Charcot-Marie-Tooth Neuropathy Type 2C; Charcot-Marie-Tooth Disease Type 2, TRPV4-Related (CMT2C). Identifiers: Orphanet 99937, MedGen C1853710, MONDO:0011633, OMIM 606071.
Spondylometaphyseal dysplasia, Kozlowski type (SMDK). Also called: Spondylometaphyseal Dysplasia, TRPV4-Related (Kozlowski Type); Dysmorphism arthrogryposis skeletal maturation advanced; Jequier-Kozlowski syndrome; Skeletal dysplasia Jequier-Kozlowski type; SMD Kozlowski type. Identifiers: Orphanet 93314, MedGen C0265280, MONDO:0008477, OMIM 184252.
Scapuloperoneal spinal muscular atrophy (SPSMA). Also called: Scapuloperoneal Form of Spinal Muscular Atrophy; AMYOTROPHY, NEUROGENIC SCAPULOPERONEAL, NEW ENGLAND TYPE; Scapuloperoneal spinal muscular atrophy, autosomal dominant; Scapuloperoneal Spinal Muscular Atrophy, TRPV4-Related. Identifiers: Orphanet 431255, MedGen C0751335, MONDO:0008408, OMIM 181405.
Spondyloepimetaphyseal dysplasia, Maroteaux type (SEDM). Also called: SED, MAROTEAUX TYPE; PSEUDO-MORQUIO SYNDROME, TYPE 2; Spondyloepimetaphyseal Dysplasia, TRPV4-Related (Maroteaux Type). Identifiers: Orphanet 263482, MedGen C3159322, MONDO:0008473, OMIM 184095.
Neuronopathy, distal hereditary motor, autosomal dominant 8. Also called: SPINAL MUSCULAR ATROPHY, CONGENITAL BENIGN, WITH CONTRACTURES; NEURONOPATHY, DISTAL HEREDITARY MOTOR, TYPE VIII; NEUROPATHY, DISTAL HEREDITARY MOTOR, TYPE VIII; Autosomal dominant congenital benign spinal muscular atrophy. Identifiers: Orphanet 1216, MedGen C1838492, MONDO:0010839, OMIM 600175.
Avascular necrosis of femoral head, primary, 2 (ANFH2). Identifiers: MedGen C4479260, MONDO:0054551, OMIM 617383.
Familial digital arthropathy-brachydactyly. Identifiers: Orphanet 85169, MedGen C1847406, MONDO:0011732, OMIM 606835.

Submission:

Juno Genomics, Hangzhou Juno Genomics, Inc
Classification: Uncertain significance for Neuronopathy, distal hereditary motor, autosomal dominant 8; Avascular necrosis of femoral head, primary, 2; Sodium serum level quantitative trait locus 1; Brachyrachia (short spine dysplasia); Familial digital arthropathy-brachydactyly; Charcot-Marie-Tooth disease axonal type 2C; Metatropic dysplasia; Parastremmatic dwarfism; Scapuloperoneal spinal muscular atrophy; Spondyloepimetaphyseal dysplasia, Maroteaux type; Spondylometaphyseal dysplasia, Kozlowski type. Review status: criteria provided, single submitter. Criteria: ACMG Guidelines, 2015. Collection method: clinical testing. Allele origin: germline.
Comment: Absent from controls (or at extremely low frequency if recessive) in Genome Aggregation Database.;Missense variant in a gene that has a low rate of benign missense variation.;Multiple lines of computational evidence support a deleterious effect on the gene or gene product.

NM_021625.5(TRPV4):c.718A>G (p.Thr240Ala)

Gene: TRPV4 (transient receptor potential cation channel subfamily V member 4; minus strand). Cytogenetic location: 12q24.11.
Variant type: single nucleotide variant.
Coding change: c.718A>G on transcript NM_021625.5 (MANE Select); coding-DNA position 718, A replaced by G.
Protein change: p.Thr240Ala; replaces threonine 240 with alanine.
Molecular consequence: missense variant. On other transcripts: intron variant (2).
Genome position (GRCh38, 1-based): chr12:109,800,753, T>C on the plus strand (A>G on the coding strand, the complement: TRPV4 is on the minus strand). VCF-style: chr12-109800753-T-C. GRCh37 (hg19) VCF-style: chr12-110238558-T-C.
Other names: c.616A>G, p.Thr206Ala (NM_001177431.2); c.718A>G, p.Thr240Ala (NM_147204.3); c.713-1841A>G (NM_001177433.1, NM_001177428.1); short protein forms T240A, T206A.
Identifiers: ClinVar variation 5005034 (VCV005005034.2).